The following is an entry in ClinVar:

ClinVar aggregate classification (germline): Benign/Likely benign. Review status: criteria provided, multiple submitters, no conflicts (2 of 4 stars). 6 submissions from 6 submitters: Benign (2); Likely benign (3). 1 of the submissions does not count toward it. Last evaluated 2025-12-11.

Conditions:
HNF1A-related disorder. Also called: HNF1A-related condition.
Maturity-onset diabetes of the young (MODY). Also called: Maturity onset diabetes mellitus in young. Identifiers: Orphanet 552, MedGen C0342276, MONDO:0018911, HP:0004904.

Allele frequency attached by ClinVar (database versions not stated): gnomAD exomes 0.00010 and 0.00024; ExAC 0.00028; 1000 Genomes Project 0.00060; 1000 Genomes Project 30x 0.00062; gnomAD 0.00093 and 0.00103; TOPMed 0.00103; ESP Exome Variant Server 0.00123.
gnomAD v4.1: 291 of 1,612,982 alleles (0.018%); highest among the groups gnomAD compares: African/African-American, 0.36%; 2 homozygotes.

Submissions (6):

Labcorp Genetics (formerly Invitae), Labcorp
Classification: Benign. Last evaluated: 2025-12-11. Review status: criteria provided, single submitter. Criteria: Invitae Variant Classification Sherloc (09022015). Collection method: clinical testing. Allele origin: germline.

Blueprint Genetics
Classification: Likely benign. Last evaluated: 2024-11-26. Review status: criteria provided, single submitter. Criteria: ACMG Guidelines, 2015. Collection method: clinical testing. Allele origin: germline.

Ambry Genetics
Classification: Likely benign for Maturity-onset diabetes of the young. Last evaluated: 2018-06-20. Review status: criteria provided, single submitter. Criteria: Ambry Variant Classification Scheme 2023. Collection method: clinical testing. Allele origin: germline.

Athena Diagnostics
Classification: Benign. Last evaluated: 2018-03-05. Review status: criteria provided, single submitter. Criteria: Athena Diagnostics Criteria. Collection method: clinical testing. Allele origin: germline.

Clinical Genomics, Uppaluri K&H Personalized Medicine Clinic
Classification: Likely benign for Maturity-onset diabetes of the young. Review status: criteria provided, single submitter. Criteria: K & H Uppaluri Personalized Medicine Clinic Variant Classification & Assertion Criteria_Updated V.1. Collection method: research. Allele origin: unknown. Inheritance: Autosomal dominant inheritance.
Comment: Mutations in HNF1A gene can predispose to MODY3. It is associated with both micro and macrovascular complications of diabetes, especially cardiovascular complications. Associated with glucosuria. May respond well to sulfonylureas. However, more evidence is required to confer the association of this particular variant rs148520816 with MODY3.

PreventionGenetics, part of Exact Sciences
Classification: Likely benign for HNF1A-related condition. Last evaluated: 2021-05-07. Review status: no assertion criteria provided. Collection method: clinical testing. Allele origin: germline. Not counted in ClinVar's aggregate classification.
Comment: This variant is classified as likely benign based on ACMG/AMP sequence variant interpretation guidelines (Richards et al. 2015 PMID: 25741868, with internal and published modifications).

Literature cited by the submitters: PubMed 31517624 (cited by Clinical Genomics, Uppaluri K&H Personalized Medicine Clinic); PubMed 32395877 (cited by Clinical Genomics, Uppaluri K&H Personalized Medicine Clinic); PubMed 35328643 (cited by Clinical Genomics, Uppaluri K&H Personalized Medicine Clinic); PubMed 35673428 (cited by Clinical Genomics, Uppaluri K&H Personalized Medicine Clinic).

NM_000545.8(HNF1A):c.1704C>T (p.Pro568=)

Gene: HNF1A (HNF1 homeobox A; plus strand). Cytogenetic location: 12q24.31.
Variant type: single nucleotide variant.
Coding change: c.1704C>T on transcript NM_000545.8 (MANE Select); coding-DNA position 1704, C replaced by T.
Protein change: p.Pro568=; no amino-acid change (proline 568 retained).
Molecular consequence: synonymous variant.
Genome position (GRCh38, 1-based): chr12:120,999,563, C>T. VCF-style: chr12-120999563-C-T. GRCh37 (hg19) VCF-style: chr12-121437366-C-T.
Other names: c.1725C>T, p.Pro575= (NM_001306179.2); c.1704C>T (NM_000545.6).
Identifiers: ClinVar variation 586788 (VCV000586788.16), dbSNP rs148520816, ClinGen allele CA6832152.
Genomic context (GRCh38, chr12:120,999,563, plus strand): 5'-GGCCTCCAGTGAGTCCGGGCTTCACACGCCGGCATCTCAGGCCACCACCCTCCACGTCCC[C>T]AGCCAGGACCCTGCCAGCATCCAGCACCTGCAGCCGGCCCACCGGCTCAGCGCCAGCCCC-3'
Protein context (NP_000536.6, residues 558-578): PASQATTLHV[Pro568=]SQDPASIQHL